The following is an entry in ClinVar:

NM_001134407.3(GRIN2A):c.2407G>A (p.Glu803Lys)

Gene: GRIN2A (glutamate ionotropic receptor NMDA type subunit 2A; minus strand). Cytogenetic location: 16p13.2.
Variant type: single nucleotide variant.
Coding change: c.2407G>A on transcript NM_001134407.3 (MANE Select); coding-DNA position 2407, G replaced by A.
Protein change: p.Glu803Lys; replaces glutamic acid 803 with lysine.
Molecular consequence: missense variant.
Genome position (GRCh38, 1-based): chr16:9,769,039, C>T on the plus strand (G>A on the coding strand, the complement: GRIN2A is on the minus strand). VCF-style: chr16-9769039-C-T. GRCh37 (hg19) VCF-style: chr16-9862896-C-T.
Other names: c.2407G>A, p.Glu803Lys (NM_000833.5, NM_001134408.2); short protein forms E803K.
Identifiers: ClinVar variation 1190362 (VCV001190362.3), dbSNP rs1198247451, ClinGen allele CA394710215.

ClinVar aggregate classification (germline): Likely pathogenic (1 of 4 stars; one submission).

Submission:

GeneDx
Classification: Likely pathogenic. Last evaluated: 2026-09-03. Review status: criteria provided, single submitter. Criteria: GeneDx Variant Classification Process June 2021. Collection method: clinical testing. Allele origin: germline.
Comment: Not observed at significant frequency in large population cohorts (gnomAD); In silico analysis supports that this missense variant has a deleterious effect on protein structure/function; Has not been previously published as pathogenic or benign to our knowledge